The following is an entry in ClinVar:

NM_005004.4(NDUFB8):c.11C>G (p.Ala4Gly)

Gene: NDUFB8 (NADH:ubiquinone oxidoreductase subunit B8; minus strand). Cytogenetic location: 10q24.31.
Variant type: single nucleotide variant.
Coding change: c.11C>G on transcript NM_005004.4 (MANE Select); coding-DNA position 11, C replaced by G.
Protein change: p.Ala4Gly; replaces alanine 4 with glycine.
Molecular consequence: missense variant. On other transcripts: intron variant (1).
Genome position (GRCh38, 1-based): chr10:100,529,841, G>C on the plus strand (C>G on the coding strand, the complement: NDUFB8 is on the minus strand). VCF-style: chr10-100529841-G-C. GRCh37 (hg19) VCF-style: chr10-102289598-G-C.
Other names: c.-9+17C>G (NM_001284368.1); c.11C>G, p.Ala4Gly (NM_001284367.2); short protein forms A4G.
Identifiers: ClinVar variation 3642317 (VCV003642317.2).

ClinVar aggregate classification (germline): Uncertain significance (1 of 4 stars; one submission).

Submission:

Labcorp Genetics (formerly Invitae), Labcorp
Classification: Uncertain significance. Last evaluated: 2024-02-25. Review status: criteria provided, single submitter. Criteria: Invitae Variant Classification Sherloc (09022015). Collection method: clinical testing. Allele origin: germline.
Comment: This sequence change replaces alanine, which is neutral and non-polar, with glycine, which is neutral and non-polar, at codon 4 of the NDUFB8 protein (p.Ala4Gly). This variant is not present in population databases (gnomAD no frequency). This variant has not been reported in the literature in individuals affected with NDUFB8-related conditions. An algorithm developed to predict the effect of missense changes on protein structure and function (PolyPhen-2) suggests that this variant is likely to be tolerated. Algorithms developed to predict the effect of sequence changes on RNA splicing suggest that this variant may disrupt the consensus splice site. In summary, the available evidence is currently insufficient to determine the role of this variant in disease. Therefore, it has been classified as a Variant of Uncertain Significance.